The following is an entry in ClinVar:

ClinVar aggregate classification (germline): Uncertain significance. Review status: criteria provided, multiple submitters, no conflicts (2 of 4 stars). 2 submissions from 2 submitters: Uncertain significance (2). Last evaluated 2024-10-07.

Conditions:
KBG syndrome (KBGS). Also called: ANKRD11-Related KBG Syndrome. Identifiers: Orphanet 2332, MedGen C0220687, MONDO:0007846, OMIM 148050.

Submissions (2):

Women's Health and Genetics/Laboratory Corporation of America, LabCorp
Classification: Uncertain significance. Last evaluated: 2024-10-07. Review status: criteria provided, single submitter. Criteria: LabCorp Variant Classification Summary - May 2015. Collection method: clinical testing. Allele origin: germline.
Comment: Variant summary: ANKRD11 c.2374_2376delGAG (p.Glu792del) results in an in-frame deletion that is predicted to remove one amino acid from the encoded protein. The variant was absent in 240490 control chromosomes. The available data on variant occurrences in the general population are insufficient to allow any conclusion about variant significance. To our knowledge, no occurrence of c.2374_2376delGAG in individuals affected with KBG Syndrome and no experimental evidence demonstrating its impact on protein function have been reported. ClinVar contains an entry for this variant (Variation ID: 1979343). Based on the evidence outlined above, the variant was classified as uncertain significance.

Labcorp Genetics (formerly Invitae), Labcorp
Classification: Uncertain significance for KBG syndrome. Last evaluated: 2023-12-07. Review status: criteria provided, single submitter. Criteria: Invitae Variant Classification Sherloc (09022015). Collection method: clinical testing. Allele origin: germline.
Comment: This variant, c.2374_2376del, results in the deletion of 1 amino acid(s) of the ANKRD11 protein (p.Glu792del), but otherwise preserves the integrity of the reading frame. This variant is not present in population databases (gnomAD no frequency). This variant has not been reported in the literature in individuals affected with ANKRD11-related conditions. ClinVar contains an entry for this variant (Variation ID: 1979343). Experimental studies and prediction algorithms are not available or were not evaluated, and the functional significance of this variant is currently unknown. In summary, the available evidence is currently insufficient to determine the role of this variant in disease. Therefore, it has been classified as a Variant of Uncertain Significance.

NM_013275.6(ANKRD11):c.2374_2376del (p.Glu792del)

Gene: ANKRD11 (ankyrin repeat domain 11; minus strand). Cytogenetic location: 16q24.3.
Variant type: Deletion.
Coding change: c.2374_2376del on transcript NM_013275.6 (MANE Select); coding-DNA positions 2374 to 2376, 3 bases deleted (GAG; older notation c.2374_2376delGAG).
Protein change: p.Glu792del; deletes glutamic acid 792.
Molecular consequence: inframe deletion.
Genome position (GRCh38, 1-based): chr16:89,284,166-89,284,168, CTC deleted on the plus strand (GAG on the coding strand, the reverse complement: ANKRD11 is on the minus strand); deleting any 3 consecutive bases within chr16:89,284,166-89,284,170 gives the same sequence; the c. name uses the placement nearest the transcript's 3' end. VCF-style (leftmost placement, unchanged base first): chr16-89284165-TCTC-T. GRCh37 (hg19) VCF-style: chr16-89350573-TCTC-T.
Other names: c.2374_2376del, p.Glu792del (NM_001256182.2, NM_001256183.2); c.2374_2376delGAG (NM_013275.6); short protein forms E792del.
Identifiers: ClinVar variation 1979343 (VCV001979343.5), dbSNP rs2034482070, ClinGen allele CA980393558.